The following is an entry in ClinVar:

NM_015072.5(TTLL5):c.1028G>A (p.Arg343His)

Gene: TTLL5 (tubulin tyrosine ligase like 5; plus strand). Cytogenetic location: 14q24.3.
Variant type: single nucleotide variant.
Coding change: c.1028G>A on transcript NM_015072.5 (MANE Select); coding-DNA position 1028, G replaced by A.
Protein change: p.Arg343His; replaces arginine 343 with histidine.
Molecular consequence: missense variant.
Genome position (GRCh38, 1-based): chr14:75,720,689, G>A. VCF-style: chr14-75720689-G-A. GRCh37 (hg19) VCF-style: chr14-76187032-G-A.
Other names: short protein forms R343H.
Identifiers: ClinVar variation 1424712 (VCV001424712.6), dbSNP rs759880353, ClinGen allele CA7279193.
Genomic context (GRCh38, chr14:75,720,689, plus strand): 5'-AGACTATAATCTCTGCTGAACTAGCTATTGCTACTGCCTGTAAAACCTTTGTTCCTCATC[G>A]CAGCAGTTGTTTTGGTAAGGAGACTCAAGAAGCTTAACATGTTTTGTGAAGAGGATCTTG-3'
Protein context (NP_055887.3, residues 333-353): ATACKTFVPH[Arg343His]SSCFELYGFD

ClinVar aggregate classification (germline): Uncertain significance. Review status: criteria provided, multiple submitters, no conflicts (2 of 4 stars). 2 submissions from 2 submitters: Uncertain significance (2). Last evaluated 2022-03-10.

Allele frequency attached by ClinVar (database versions not stated): gnomAD 0.00001; TOPMed 0.00001; ExAC 0.00002; gnomAD exomes 0.00002 and 0.00005.
gnomAD v4.1: 76 of 1,613,102 alleles (0.0047%); highest among the groups gnomAD compares: Non-Finnish European, 0.0062%; no homozygotes.

Submissions (2):

Labcorp Genetics (formerly Invitae), Labcorp
Classification: Uncertain significance. Last evaluated: 2022-03-10. Review status: criteria provided, single submitter. Criteria: Invitae Variant Classification Sherloc (09022015). Collection method: clinical testing. Allele origin: germline.
Comment: This sequence change replaces arginine, which is basic and polar, with histidine, which is basic and polar, at codon 343 of the TTLL5 protein (p.Arg343His). This variant is present in population databases (rs759880353, gnomAD 0.004%). This variant has not been reported in the literature in individuals affected with TTLL5-related conditions. Algorithms developed to predict the effect of missense changes on protein structure and function (SIFT, PolyPhen-2, Align-GVGD) all suggest that this variant is likely to be tolerated. In summary, the available evidence is currently insufficient to determine the role of this variant in disease. Therefore, it has been classified as a Variant of Uncertain Significance.

Blueprint Genetics
Classification: Uncertain significance. Last evaluated: 2021-06-09. Review status: criteria provided, single submitter. Criteria: ACMG Guidelines, 2015. Collection method: clinical testing. Allele origin: germline.